The following is an entry in ClinVar:

NM_007118.4(TRIO):c.4614T>G (p.Phe1538Leu)

Gene: TRIO (trio Rho guanine nucleotide exchange factor; plus strand). Cytogenetic location: 5p15.2.
Variant type: single nucleotide variant.
Coding change: c.4614T>G on transcript NM_007118.4 (MANE Select); coding-DNA position 4614, T replaced by G.
Protein change: p.Phe1538Leu; replaces phenylalanine 1538 with leucine.
Molecular consequence: missense variant. On other transcripts: non-coding transcript variant (1).
Genome position (GRCh38, 1-based): chr5:14,399,070, T>G. VCF-style: chr5-14399070-T-G. GRCh37 (hg19) VCF-style: chr5-14399179-T-G.
Other names: short protein forms F1538L.
Identifiers: ClinVar variation 3347844 (VCV003347844.1).

ClinVar aggregate classification (germline): Uncertain significance (0 of 4 stars; one submission).

Conditions:
TRIO-related disorder. Also called: TRIO-related condition; TRIO-related disorders.

Submission:

PreventionGenetics, part of Exact Sciences
Classification: Uncertain significance for TRIO-related condition. Last evaluated: 2024-05-30. Review status: no assertion criteria provided. Collection method: clinical testing. Allele origin: germline.
Comment: The TRIO c.4614T>G variant is predicted to result in the amino acid substitution p.Phe1538Leu. To our knowledge, this variant has not been reported in the literature or in a large population database, indicating this variant is rare. This missense change is located at the last base of an exon, but is not predicted to alter splicing based on available splicing prediction programs (SpliceAI, Jaganathan et al. 2019. PubMed ID: 30661751; Alamut Visual Plus v1.6.1). At this time, the clinical significance of this variant is uncertain due to the absence of conclusive functional and genetic evidence.